The following is an entry in ClinVar:

NM_000388.4(CASR):c.2153G>C (p.Trp718Ser)

Gene: CASR (calcium sensing receptor; plus strand). Cytogenetic location: 3q21.1.
Variant type: single nucleotide variant.
Coding change: c.2153G>C on transcript NM_000388.4 (MANE Select); coding-DNA position 2153, G replaced by C.
Protein change: p.Trp718Ser; replaces tryptophan 718 with serine.
Molecular consequence: missense variant.
Genome position (GRCh38, 1-based): chr3:122,284,107, G>C. VCF-style: chr3-122284107-G-C. GRCh37 (hg19) VCF-style: chr3-122002954-G-C.
Other names: c.2183G>C, p.Trp728Ser (NM_001178065.2); short protein forms W718S, W728S.
Identifiers: ClinVar variation 1786788 (VCV001786788.2), dbSNP rs961879608, ClinGen allele CA354158804.

ClinVar aggregate classification (germline): Uncertain significance (1 of 4 stars; one submission).

Conditions:
Nephrolithiasis/nephrocalcinosis. Identifiers: MedGen CN580796.

Submission:

Ambry Genetics
Classification: Uncertain significance for Nephrolithiasis/nephrocalcinosis. Last evaluated: 2022-01-07. Review status: criteria provided, single submitter. Criteria: Ambry Variant Classification Scheme 2023. Collection method: clinical testing. Allele origin: germline.
Comment: The p.W718S variant (also known as c.2153G>C), located in coding exon 6 of the CASR gene, results from a G to C substitution at nucleotide position 2153. The tryptophan at codon 718 is replaced by serine, an amino acid with highly dissimilar properties. This amino acid position is conserved. In addition, this alteration is predicted to be deleterious by in silico analysis. Since supporting evidence is limited at this time, the clinical significance of this alteration remains unclear.